The following is an entry in ClinVar:

NM_032043.3(BRIP1):c.3343T>C (p.Ser1115Pro)

Gene: BRIP1 (BRCA1 interacting DNA helicase 1; minus strand). Cytogenetic location: 17q23.2.
Variant type: single nucleotide variant.
Coding change: c.3343T>C on transcript NM_032043.3 (MANE Select); coding-DNA position 3343, T replaced by C.
Protein change: p.Ser1115Pro; replaces serine 1115 with proline.
Molecular consequence: missense variant.
Genome position (GRCh38, 1-based): chr17:61,683,703, A>G on the plus strand (T>C on the coding strand, the complement: BRIP1 is on the minus strand). VCF-style: chr17-61683703-A-G. GRCh37 (hg19) VCF-style: chr17-59761064-A-G.
Other names: short protein forms S1115P.
Identifiers: ClinVar variation 568102 (VCV000568102.9), dbSNP rs1567728281, ClinGen allele CA400478936.

ClinVar aggregate classification (germline): Uncertain significance (1 of 4 stars; one submission).

Conditions:
Fanconi anemia complementation group J. Also called: BRIP1-Related Fanconi Anemia. Identifiers: Orphanet 84, MedGen C1836860, MONDO:0012187, OMIM 609054.
Familial cancer of breast. Also called: Hereditary breast cancer; BREAST CANCER, FAMILIAL; hereditary breast carcinoma. Identifiers: Orphanet 227535, MedGen C0346153, MONDO:0016419, OMIM 114480. Disease mechanism: loss of function.

Submission:

Labcorp Genetics (formerly Invitae), Labcorp
Classification: Uncertain significance for Familial cancer of breast; Fanconi anemia complementation group J. Last evaluated: 2018-02-08. Review status: criteria provided, single submitter. Criteria: Invitae Variant Classification Sherloc (09022015). Collection method: clinical testing. Allele origin: germline.
Comment: This sequence change replaces serine with proline at codon 1115 of the BRIP1 protein (p.Ser1115Pro). The serine residue is weakly conserved and there is a moderate physicochemical difference between serine and proline. This variant is not present in population databases (ExAC no frequency). This variant has not been reported in the literature in individuals with BRIP1-related disease. Algorithms developed to predict the effect of missense changes on protein structure and function output the following: SIFT: "Tolerated"; PolyPhen-2: "Benign"; Align-GVGD: "Class C0". The proline amino acid residue is found in multiple mammalian species, suggesting that this missense change does not adversely affect protein function. These predictions have not been confirmed by published functional studies and their clinical significance is uncertain. In summary, the available evidence is currently insufficient to determine the role of this variant in disease. Therefore, it has been classified as a Variant of Uncertain Significance.